The following is an entry in ClinVar:

ClinVar aggregate classification (germline): Conflicting classifications of pathogenicity. Review status: criteria provided, conflicting classifications (1 of 4 stars). 3 submissions from 3 submitters: Uncertain significance (2); Likely benign (1). Last evaluated 2024-11-07.

Conditions:
Inborn genetic diseases. Identifiers: MedGen C0950123, MeSH D030342.

Allele frequency attached by ClinVar (database versions not stated): gnomAD 0.00017 and 0.00019; 1000 Genomes Project 0.00020; ExAC 0.00010; 1000 Genomes Project 30x 0.00016; TOPMed 0.00026.
gnomAD v4.1: 60 of 1,551,602 alleles (0.0039%); highest among the groups gnomAD compares: African/African-American, 0.072%; no homozygotes.

Submissions (3):

Ambry Genetics
Classification: Uncertain significance for Inborn genetic diseases. Last evaluated: 2024-11-07. Review status: criteria provided, single submitter. Criteria: Ambry Variant Classification Scheme 2023. Collection method: clinical testing. Allele origin: germline.

Mayo Clinic Laboratories, Mayo Clinic
Classification: Likely benign. Last evaluated: 2024-10-09. Review status: criteria provided, single submitter. Criteria: ACMG Guidelines, 2015. Collection method: clinical testing. Allele origin: germline. Observed: 1 variant allele.
Comment: BS1, BP4

Genetic Services Laboratory, University of Chicago
Classification: Uncertain significance. Last evaluated: 2018-12-19. Review status: criteria provided, single submitter. Criteria: ACMG Guidelines, 2015. Collection method: clinical testing. Allele origin: germline. Affected: no.

NM_001129820.2(SLFN14):c.1277C>A (p.Thr426Asn)

Genes: SLFN14 (schlafen family member 14; minus strand), LOC107985033 (uncharacterized LOC107985033; plus strand). Cytogenetic location: 17q12.
Variant type: single nucleotide variant.
Coding change: c.1277C>A on transcript NM_001129820.2 (MANE Select); coding-DNA position 1277, C replaced by A.
Protein change: p.Thr426Asn; replaces threonine 426 with asparagine.
Molecular consequence: missense variant. On other transcripts: non-coding transcript variant (2).
Genome position (GRCh38, 1-based): chr17:35,553,357, G>T on the plus strand (C>A on the coding strand, the complement: SLFN14 is on the minus strand). VCF-style: chr17-35553357-G-T. GRCh37 (hg19) VCF-style: chr17-33880376-G-T.
Other names: p.Thr426Asn; short protein forms T426N.
Identifiers: ClinVar variation 1336063 (VCV001336063.6), dbSNP rs190500366, ClinGen allele CA8504634.
Genomic context (GRCh38, chr17:35,553,357, plus strand): 5'-ACATCACCAGCCCAGCTTCTAGAAAATATCACAATCCCCTGAGAACAAGGATGTATCAGG[G>T]TCTTCATTAAACCCTCCAGTTCTTTATGATCTGAGAACAGCTTCTTACAGAGGGATTCTG-3'
Protein context (NP_001123292.1, residues 416-436): DHKELEGLMK[Thr426Asn]LIHPCSQGIV